The following is an entry in ClinVar:

NM_004881.5(TP53I3):c.667G>A (p.Glu223Lys)

Genes: FAM228B (family with sequence similarity 228 member B; plus strand), TP53I3 (tumor protein p53 inducible protein 3; minus strand). Cytogenetic location: 2p23.3.
Variant type: single nucleotide variant.
Coding change: c.667G>A on transcript NM_004881.5 (MANE Select); coding-DNA position 667, G replaced by A.
Protein change: p.Glu223Lys; replaces glutamic acid 223 with lysine.
Molecular consequence: missense variant. On other transcripts: intron variant (2).
Genome position (GRCh38, 1-based): chr2:24,079,593, C>T on the plus strand (G>A on the coding strand, the complement: TP53I3 is on the minus strand). VCF-style: chr2-24079593-C-T. GRCh37 (hg19) VCF-style: chr2-24302463-C-T.
Other names: c.667G>A, p.Glu223Lys (NM_147184.4); c.-289-1283C>T (NM_001291328.2); c.619+1226G>A (NM_001206802.2); short protein forms E223K.
Identifiers: ClinVar variation 3047782 (VCV003047782.2), dbSNP rs35176319, ClinGen allele CA1549570.

ClinVar aggregate classification (germline): Likely benign (0 of 4 stars; one submission).

Conditions:
TP53I3-related disorder. Also called: TP53I3-related condition.

Allele frequency attached by ClinVar (database versions not stated): ESP Exome Variant Server 0.00169; ExAC 0.00049; gnomAD 0.00181; TOPMed 0.00227; 1000 Genomes Project 30x 0.00141; 1000 Genomes Project 0.00160.
gnomAD v4.1: 620 of 1,614,136 alleles (0.038%); highest among the groups gnomAD compares: African/African-American, 0.67%; 3 homozygotes.

Submission:

PreventionGenetics, part of Exact Sciences
Classification: Likely benign for TP53I3-related condition. Last evaluated: 2022-03-05. Review status: no assertion criteria provided. Collection method: clinical testing. Allele origin: germline.
Comment: This variant is classified as likely benign based on ACMG/AMP sequence variant interpretation guidelines (Richards et al. 2015 PMID: 25741868, with internal and published modifications).